The following is an entry in ClinVar:

NM_000243.3(MEFV):c.1318C>A (p.Gln440Lys)

Gene: MEFV (MEFV innate immunity regulator, pyrin; minus strand). Cytogenetic location: 16p13.3.
Variant type: single nucleotide variant.
Coding change: c.1318C>A on transcript NM_000243.3 (MANE Select); coding-DNA position 1318, C replaced by A.
Protein change: p.Gln440Lys; replaces glutamine 440 with lysine.
Molecular consequence: missense variant.
Genome position (GRCh38, 1-based): chr16:3,248,947, G>T on the plus strand (C>A on the coding strand, the complement: MEFV is on the minus strand). VCF-style: chr16-3248947-G-T. GRCh37 (hg19) VCF-style: chr16-3298947-G-T.
Other names: c.685C>A, p.Gln229Lys (NM_001198536.2); short protein forms Q229K, Q440K.
Identifiers: ClinVar variation 2119550 (VCV002119550.4), dbSNP rs11466026, ClinGen allele CA394467982.

ClinVar aggregate classification (germline): Uncertain significance (1 of 4 stars; one submission).

Conditions:
Familial Mediterranean fever (FMF). Also called: POLYSEROSITIS, FAMILIAL PAROXYSMAL; POLYSEROSITIS, RECURRENT; Periodic peritonitis; Benign paroxysmal peritonitis. Identifiers: Orphanet 342, MedGen C0031069, MONDO:0018088, OMIM 249100. Disease mechanism: gain of function.

gnomAD v4.1: 1 of 1,614,196 alleles (0.000062%); highest among the groups gnomAD compares: African/African-American, 0.0013%; no homozygotes.

Submission:

Labcorp Genetics (formerly Invitae), Labcorp
Classification: Uncertain significance for Familial Mediterranean fever. Last evaluated: 2022-01-16. Review status: criteria provided, single submitter. Criteria: Invitae Variant Classification Sherloc (09022015). Collection method: clinical testing. Allele origin: germline.
Comment: In summary, the available evidence is currently insufficient to determine the role of this variant in disease. Therefore, it has been classified as a Variant of Uncertain Significance. This sequence change replaces glutamine, which is neutral and polar, with lysine, which is basic and polar, at codon 440 of the MEFV protein (p.Gln440Lys). This variant is not present in population databases (gnomAD no frequency). This variant has not been reported in the literature in individuals affected with MEFV-related conditions. Algorithms developed to predict the effect of missense changes on protein structure and function output the following: SIFT: "Tolerated"; PolyPhen-2: "Benign"; Align-GVGD: "Class C0". The lysine amino acid residue is found in multiple mammalian species, which suggests that this missense change does not adversely affect protein function.